The following is an entry in ClinVar:

ClinVar aggregate classification (germline): Uncertain significance. Review status: criteria provided, multiple submitters, no conflicts (2 of 4 stars). 2 submissions from 2 submitters: Uncertain significance (2). Last evaluated 2025-11-11.

Conditions:
Inborn genetic diseases. Identifiers: MedGen C0950123, MeSH D030342.

Allele frequency attached by ClinVar (database versions not stated): ExAC 0.00001; gnomAD exomes 0.00001; gnomAD 0.00002; TOPMed 0.00002.

Submissions (2):

Labcorp Genetics (formerly Invitae), Labcorp
Classification: Uncertain significance. Last evaluated: 2025-11-11. Review status: criteria provided, single submitter. Criteria: Invitae Variant Classification Sherloc (09022015). Collection method: clinical testing. Allele origin: germline.
Comment: This sequence change replaces glycine, which is neutral and non-polar, with alanine, which is neutral and non-polar, at codon 216 of the DSG1 protein (p.Gly216Ala). This variant is present in population databases (rs764565518, gnomAD 0.004%). This variant has not been reported in the literature in individuals affected with DSG1-related conditions. ClinVar contains an entry for this variant (Variation ID: 1967260). Invitae Evidence Modeling of protein sequence and biophysical properties (such as structural, functional, and spatial information, amino acid conservation, physicochemical variation, residue mobility, and thermodynamic stability) indicates that this missense variant is not expected to disrupt DSG1 protein function with a negative predictive value of 80%. In summary, the available evidence is currently insufficient to determine the role of this variant in disease. Therefore, it has been classified as a Variant of Uncertain Significance.

Ambry Genetics
Classification: Uncertain significance for Inborn genetic diseases. Last evaluated: 2025-08-09. Review status: criteria provided, single submitter. Criteria: Ambry Variant Classification Scheme 2023. Collection method: clinical testing. Allele origin: germline.

NM_001942.4(DSG1):c.647G>C (p.Gly216Ala)

Gene: DSG1 (desmoglein 1; plus strand). Cytogenetic location: 18q12.1.
Variant type: single nucleotide variant.
Coding change: c.647G>C on transcript NM_001942.4 (MANE Select); coding-DNA position 647, G replaced by C.
Protein change: p.Gly216Ala; replaces glycine 216 with alanine.
Molecular consequence: missense variant.
Genome position (GRCh38, 1-based): chr18:31,331,830, G>C. VCF-style: chr18-31331830-G-C. GRCh37 (hg19) VCF-style: chr18-28911793-G-C.
Other names: c.647G>C (NM_001942.2); short protein forms G216A.
Identifiers: ClinVar variation 1967260 (VCV001967260.6), dbSNP rs764565518, ClinGen allele CA8925891.